The following is an entry in ClinVar:

ClinVar aggregate classification (germline): Uncertain significance (1 of 4 stars; one submission).

Allele frequency attached by ClinVar (database versions not stated): gnomAD exomes below 0.00001; gnomAD 0.00001; TOPMed 0.00003.
gnomAD v4.1: 9 of 1,613,914 alleles (0.00056%); highest among the groups gnomAD compares: African/African-American, 0.011%; no homozygotes.

Submission:

Labcorp Genetics (formerly Invitae), Labcorp
Classification: Uncertain significance. Last evaluated: 2023-11-13. Review status: criteria provided, single submitter. Criteria: Invitae Variant Classification Sherloc (09022015). Collection method: clinical testing. Allele origin: germline.
Comment: This sequence change falls in intron 3 of the IMPG1 gene. It does not directly change the encoded amino acid sequence of the IMPG1 protein. It affects a nucleotide within the consensus splice site. This variant is present in population databases (no rsID available, gnomAD 0.02%). This variant has not been reported in the literature in individuals affected with IMPG1-related conditions. ClinVar contains an entry for this variant (Variation ID: 1511192). Variants that disrupt the consensus splice site are a relatively common cause of aberrant splicing (PMID: 17576681, 9536098). Algorithms developed to predict the effect of sequence changes on RNA splicing suggest that this variant is not likely to affect RNA splicing. In summary, the available evidence is currently insufficient to determine the role of this variant in disease. Therefore, it has been classified as a Variant of Uncertain Significance.

Literature cited by the submitters: PubMed 17576681; PubMed 9536098.

NM_001563.4(IMPG1):c.468+4A>C

Gene: IMPG1 (interphotoreceptor matrix proteoglycan 1; minus strand). Cytogenetic location: 6q14.1.
Variant type: single nucleotide variant.
Coding change: c.468+4A>C on transcript NM_001563.4 (MANE Select); 4 bases into the intron after coding-DNA position 468, A replaced by C.
Molecular consequence: intron variant.
Genome position (GRCh38, 1-based): chr6:76,034,617, T>G on the plus strand (A>C on the coding strand, the complement: IMPG1 is on the minus strand). VCF-style: chr6-76034617-T-G. GRCh37 (hg19) VCF-style: chr6-76744334-T-G.
Other names: c.234+4A>C (NM_001282368.2).
Identifiers: ClinVar variation 1511192 (VCV001511192.6), dbSNP rs987130657, ClinGen allele CA141099213.
Genomic context (GRCh38, chr6:76,034,617, plus strand): 5'-AGGGGCTGGAGCCTGGGAACTGTTCGTGCAGTGTTCCAAATAACCATGTGGTGTTTAGGC[T>G]CACCTGCTGGAGAAGATCCAGGTGCTCCTGGGAATTGCTGAAGTTTTTTCCAATGTCAAA-3'